The following is an entry in ClinVar:

ClinVar aggregate classification (germline): Conflicting classifications of pathogenicity. Review status: criteria provided, conflicting classifications (1 of 4 stars). 4 submissions from 4 submitters: Uncertain significance (3); Likely benign (1). Last evaluated 2026-02-25.

Conditions:
Hypertrophic cardiomyopathy 26. Also called: Cardiomyopathy, familial hypertrophic, 26. Identifiers: Orphanet 75249, MedGen C4310749, MONDO:0014883, OMIM 617047.
Myofibrillar myopathy 5. Also called: Filaminopathy (type); FILAMINOPATHY, AUTOSOMAL DOMINANT. Identifiers: Orphanet 171445, MedGen C1836050, MONDO:0012289, OMIM 609524.
Distal myopathy with posterior leg and anterior hand involvement. Also called: WILLIAMS DISTAL MYOPATHY. Identifiers: Orphanet 63273, MedGen C3279722, MONDO:0013550, OMIM 614065.
Cardiovascular phenotype. Identifiers: MedGen CN230736.

Allele frequency attached by ClinVar (database versions not stated): gnomAD exomes 0.00001; gnomAD 0.00002; ExAC 0.00001; TOPMed 0.00003.
gnomAD v4.1: 6 of 1,613,466 alleles (0.00037%); highest among the groups gnomAD compares: African/African-American, 0.008%; no homozygotes.

Submissions (4):

Ambry Genetics
Classification: Uncertain significance for Cardiovascular phenotype. Last evaluated: 2026-02-25. Review status: criteria provided, single submitter. Criteria: Ambry Variant Classification Scheme 2023. Collection method: clinical testing. Allele origin: germline.
Comment: The c.4018T>A (p.F1340I) alteration is located in exon 23 (coding exon 23) of the FLNC gene. This alteration results from a T to A substitution at nucleotide position 4018, causing the phenylalanine (F) at amino acid position 1340 to be replaced by an isoleucine (I). Based on data from gnomAD, the A allele has an overall frequency of 0.001% (3/248946) total alleles studied. The highest observed frequency was 0.019% (3/15474) of African alleles. Based on insufficient or conflicting evidence, the clinical significance of this alteration remains unclear.

Labcorp Genetics (formerly Invitae), Labcorp
Classification: Likely benign for Distal myopathy with posterior leg and anterior hand involvement; Myofibrillar myopathy 5; Hypertrophic cardiomyopathy 26. Last evaluated: 2025-07-27. Review status: criteria provided, single submitter. Criteria: Invitae Variant Classification Sherloc (09022015). Collection method: clinical testing. Allele origin: germline.

Molecular Diagnostic Laboratory for Inherited Cardiovascular Disease, Montreal Heart Institute
Classification: Uncertain significance for Cardiovascular phenotype. Last evaluated: 2025-04-09. Review status: criteria provided, single submitter. Criteria: ACMG Guidelines, 2015. Collection method: clinical testing. Allele origin: germline. Affected: yes.

GeneDx
Classification: Uncertain significance. Last evaluated: 2024-08-08. Review status: criteria provided, single submitter. Criteria: GeneDx Variant Classification Process June 2021. Collection method: clinical testing. Allele origin: germline. Affected: yes.
Comment: Has not been previously published as pathogenic or benign to our knowledge; Not observed at significant frequency in large population cohorts (gnomAD); In silico analysis supports that this missense variant has a deleterious effect on protein structure/function

NM_001458.5(FLNC):c.4018T>A (p.Phe1340Ile)

Gene: FLNC (filamin C; plus strand). Cytogenetic location: 7q32.1.
Variant type: single nucleotide variant.
Coding change: c.4018T>A on transcript NM_001458.5 (MANE Select); coding-DNA position 4018, T replaced by A.
Protein change: p.Phe1340Ile; replaces phenylalanine 1340 with isoleucine.
Molecular consequence: missense variant.
Genome position (GRCh38, 1-based): chr7:128,846,354, T>A. VCF-style: chr7-128846354-T-A. GRCh37 (hg19) VCF-style: chr7-128486408-T-A.
Other names: c.4018T>A, p.Phe1340Ile (NM_001127487.2); short protein forms F1340I.
Identifiers: ClinVar variation 472056 (VCV000472056.16), dbSNP rs775383465, ClinGen allele CA4475219.
Genomic context (GRCh38, chr7:128,846,354, plus strand): 5'-CTTCCAGGCGTGCATCTGGTGGAGGTCCTGTATGATGAGGTCGCTGTGCCCAAGAGCCCC[T>A]TCCGAGTGGGCGTGACCGAGGGCTGTGATCCCACCCGCGTCCGAGCCTTCGGGCCAGGCC-3'
Protein context (NP_001449.3, residues 1330-1350): YDEVAVPKSP[Phe1340Ile]RVGVTEGCDP